The following is an entry in ClinVar:

ClinVar aggregate classification (germline): Uncertain significance (1 of 4 stars; one submission).

Conditions:
ADCY3-related disorder. Also called: ADCY3-related condition.

gnomAD v4.1: 2 of 1,613,944 alleles (0.00012%); highest among the groups gnomAD compares: African/African-American, 0.0027%; no homozygotes.

Submission:

PreventionGenetics, part of Exact Sciences
Classification: Uncertain significance for ADCY3-related condition. Last evaluated: 2026-06-03. Review status: criteria provided, single submitter. Criteria: ACMG Guidelines, 2015. Collection method: clinical testing. Allele origin: germline.
Comment: The ADCY3 c.298T>G variant is predicted to result in the amino acid substitution p.Phe100Val. To our knowledge, this variant has not been reported in the literature or in a large population database (gnomAD), indicating this variant is rare. At this time, the clinical significance of this variant is uncertain due to the absence of conclusive functional and genetic evidence.

NM_004036.5(ADCY3):c.298T>G (p.Phe100Val)

Gene: ADCY3 (adenylate cyclase 3; minus strand). Cytogenetic location: 2p23.3.
Variant type: single nucleotide variant.
Coding change: c.298T>G on transcript NM_004036.5 (MANE Select); coding-DNA position 298, T replaced by G.
Protein change: p.Phe100Val; replaces phenylalanine 100 with valine.
Molecular consequence: missense variant.
Genome position (GRCh38, 1-based): chr2:24,918,690, A>C on the plus strand (T>G on the coding strand, the complement: ADCY3 is on the minus strand). VCF-style: chr2-24918690-A-C. GRCh37 (hg19) VCF-style: chr2-25141559-A-C.
Other names: c.298T>G, p.Phe100Val (NM_001320613.2, NM_001377128.1, NM_001377129.1 and 2 more transcripts); short protein forms F100V.
Identifiers: ClinVar variation 4987242 (VCV004987242.1).